The following is an entry in ClinVar:

ClinVar aggregate classification (germline): Conflicting classifications of pathogenicity. Review status: criteria provided, conflicting classifications (1 of 4 stars). 3 submissions from 3 submitters: Uncertain significance (2); Likely benign (1). Last evaluated 2025-05-05.

Conditions:
Cardiomyopathy (CMYO). Also called: Cardiomyopathies. Identifiers: Orphanet 167848, MedGen C0878544, MONDO:0004994, HP:0001638. Inheritance: Various modes of inheritance.

Allele frequency attached by ClinVar (database versions not stated): gnomAD exomes 0.00001 and 0.00002; ExAC 0.00001.
gnomAD v4.1: 7 of 1,608,080 alleles (0.00044%); highest among the groups gnomAD compares: Middle Eastern, 0.017%; no homozygotes.

Submissions (3):

Revvity Omics, Revvity
Classification: Uncertain significance. Last evaluated: 2025-05-05. Review status: criteria provided, single submitter. Criteria: ACMG Guidelines, 2015. Collection method: clinical testing. Allele origin: germline.

CHEO Genetics Diagnostic Laboratory, Children's Hospital of Eastern Ontario
Classification: Likely benign for Cardiomyopathy. Last evaluated: 2023-02-13. Review status: criteria provided, single submitter. Criteria: ACMG Guidelines, 2015. Collection method: clinical testing. Allele origin: germline.

GeneDx
Classification: Uncertain significance. Last evaluated: 2020-10-07. Review status: criteria provided, single submitter. Criteria: GeneDx Variant Classification Process June 2021. Collection method: clinical testing. Allele origin: germline. Affected: yes.
Comment: Not observed at a significant frequency in large population cohorts (Lek et al., 2016); Missense variant in a gene in which most reported pathogenic variants are truncating/loss-of-function; Has not been previously published as pathogenic or benign to our knowledge

NM_001267550.2(TTN):c.5381T>C (p.Val1794Ala)

Gene: TTN (titin; minus strand). Cytogenetic location: 2q31.2.
Variant type: single nucleotide variant.
Coding change: c.5381T>C on transcript NM_001267550.2 (MANE Select); coding-DNA position 5381, T replaced by C.
Protein change: p.Val1794Ala; replaces valine 1794 with alanine.
Molecular consequence: missense variant.
Genome position (GRCh38, 1-based): chr2:178,776,483, A>G on the plus strand (T>C on the coding strand, the complement: TTN is on the minus strand). VCF-style: chr2-178776483-A-G. GRCh37 (hg19) VCF-style: chr2-179641210-A-G.
Other names: c.5381T>C, p.Val1794Ala (NM_001256850.1, NM_133378.4, NM_133379.5); c.5243T>C, p.Val1748Ala (NM_003319.4, NM_133432.3, NM_133437.4); short protein forms V1748A, V1794A.
Identifiers: ClinVar variation 1304006 (VCV001304006.6), dbSNP rs774766261, ClinGen allele CA2005188.